The following is an entry in ClinVar:

NC_000005.10:g.(?_87268432)_(87353255_?)del

Genes: CCNH (cyclin H; minus strand), RASA1 (RAS p21 protein activator 1; plus strand), LOC644285 (uncharacterized LOC644285; minus strand). Cytogenetic location: 5q14.3.
Variant type: Deletion.
Identifiers: ClinVar variation 464851 (VCV000464851.1).

ClinVar aggregate classification (germline): Pathogenic (1 of 4 stars; one submission).

Conditions:
Capillary malformation-arteriovenous malformation 1 (CMAVM1). Identifiers: Orphanet 137667, Orphanet 693907, MedGen C4747394, MONDO:0020783, OMIM 608354.

Submission:

Labcorp Genetics (formerly Invitae), Labcorp
Classification: Pathogenic for Capillary malformation-arteriovenous malformation syndrome. Last evaluated: 2017-10-18. Review status: criteria provided, single submitter. Criteria: Invitae Variant Classification Sherloc (09022015). Collection method: clinical testing. Allele origin: germline.
Comment: This variant is a gross deletion of the genomic region encompassing exons 1-9 of the RASA1 gene, which includes the initiator codon. The 5' end of this event is unknown as it extends beyond the assayed region for this gene and therefore may encompass additional genes. The 3' boundary is likely confined to intron 9Â¬â€ of the RASA1 gene. This is expected to result in an absent or disrupted protein product. For these reasons, this variant has been classified as Pathogenic.